The following is an entry in ClinVar:

ClinVar aggregate classification (germline): Uncertain significance. Review status: criteria provided, multiple submitters, no conflicts (2 of 4 stars). 2 submissions from 2 submitters: Uncertain significance (2). Last evaluated 2025-09-15.

Conditions:
Inborn genetic diseases. Identifiers: MedGen C0950123, MeSH D030342.
Baller-Gerold syndrome (BGS). Also called: CRANIOSYNOSTOSIS WITH RADIAL DEFECTS. Identifiers: Orphanet 1225, MedGen C0265308, MONDO:0009039, OMIM 218600.

Allele frequency attached by ClinVar (database versions not stated): gnomAD exomes below 0.00001.

Submissions (2):

Labcorp Genetics (formerly Invitae), Labcorp
Classification: Uncertain significance for Baller-Gerold syndrome. Last evaluated: 2025-09-15. Review status: criteria provided, single submitter. Criteria: Invitae Variant Classification Sherloc (09022015). Collection method: clinical testing. Allele origin: germline.
Comment: This sequence change replaces alanine, which is neutral and non-polar, with threonine, which is neutral and polar, at codon 17 of the RECQL4 protein (p.Ala17Thr). This variant is not present in population databases (gnomAD no frequency). This variant has not been reported in the literature in individuals affected with RECQL4-related conditions. ClinVar contains an entry for this variant (Variation ID: 1900958). Experimental studies and prediction algorithms are not available or were not evaluated, and the functional significance of this variant is currently unknown. In summary, the available evidence is currently insufficient to determine the role of this variant in disease. Therefore, it has been classified as a Variant of Uncertain Significance.

Ambry Genetics
Classification: Uncertain significance for Inborn genetic diseases. Last evaluated: 2025-01-08. Review status: criteria provided, single submitter. Criteria: Ambry Variant Classification Scheme 2023. Collection method: clinical testing. Allele origin: germline.
Comment: The p.A17T variant (also known as c.49G>A), located in coding exon 1 of the RECQL4 gene, results from a G to A substitution at nucleotide position 49. The alanine at codon 17 is replaced by threonine, an amino acid with similar properties. This amino acid position is conserved. In addition, this alteration is predicted to be tolerated by in silico analysis. Based on the available evidence, the clinical significance of this variant remains unclear.

NM_004260.4(RECQL4):c.49G>A (p.Ala17Thr)

Genes: RECQL4 (RecQ like helicase 4; minus strand), LOC130001411 (ATAC-STARR-seq lymphoblastoid silent region 19699; plus strand). Cytogenetic location: 8q24.3.
Variant type: single nucleotide variant.
Coding change: c.49G>A on transcript NM_004260.4 (MANE Select); coding-DNA position 49, G replaced by A.
Protein change: p.Ala17Thr; replaces alanine 17 with threonine.
Molecular consequence: missense variant.
Genome position (GRCh38, 1-based): chr8:144,517,736, C>T on the plus strand (G>A on the coding strand, the complement: RECQL4 is on the minus strand). VCF-style: chr8-144517736-C-T. GRCh37 (hg19) VCF-style: chr8-145743120-C-T.
Other names: c.49G>A, p.Ala17Thr (NM_001413029.1, NM_001413033.1, NM_001413036.1 and 6 more transcripts); c.-1150G>A (NM_001413030.1, NM_001413031.1, NM_001413041.1); c.-982G>A (NM_001413032.1); c.-992G>A (NM_001413034.1); c.-920G>A (NM_001413035.1); c.-1088G>A (NM_001413037.1, NM_001413038.1, NM_001413022.1 and 2 more transcripts); c.-993G>A (NM_001413040.1); c.-737G>A (NM_001413021.1); and 5 more; short protein forms A17T.
Identifiers: ClinVar variation 1900958 (VCV001900958.6), dbSNP rs2538133699, ClinGen allele CA372693795.